The following is an entry in ClinVar:

ClinVar aggregate classification (germline): Conflicting classifications of pathogenicity. Review status: criteria provided, conflicting classifications (1 of 4 stars). 8 submissions from 8 submitters: Uncertain significance (1); Likely benign (6). 1 of the submissions does not count toward it. Last evaluated 2026-02-01.

Conditions:
DIAPH1-related disorder. Also called: DIAPH1-related condition.
Autosomal dominant nonsyndromic hearing loss 1. Also called: DEAFNESS, AUTOSOMAL DOMINANT 1, WITH OR WITHOUT THROMBOCYTOPENIA; KONIGSMARK SYNDROME. Identifiers: Orphanet 90635, MedGen C1852282, MONDO:0007424, OMIM 124900.
Progressive microcephaly-seizures-cortical blindness-developmental delay syndrome. Also called: Seizures, cortical blindness, and microcephaly syndrome. Identifiers: Orphanet 477814, MedGen C5567650, MONDO:0014714, OMIM 616632.

Allele frequency attached by ClinVar (database versions not stated): TOPMed 0.00083; ESP Exome Variant Server 0.00088; 1000 Genomes Project 30x 0.00094; 1000 Genomes Project 0.00100; gnomAD 0.00147.
gnomAD v4.1: 2,263 of 1,613,888 alleles (0.14%); highest among the groups gnomAD compares: Non-Finnish European, 0.17%; no homozygotes.

Submissions (8):

CeGaT Center for Human Genetics Tuebingen
Classification: Likely benign. Last evaluated: 2026-02-01. Review status: criteria provided, single submitter. Criteria: CeGaT Center For Human Genetics Tuebingen Variant Classification Criteria Version 2. Collection method: clinical testing. Allele origin: germline. Affected: yes. Observed: 3 variant alleles.
Comment: DIAPH1: BP4

Labcorp Genetics (formerly Invitae), Labcorp
Classification: Likely benign for Progressive microcephaly-seizures-cortical blindness-developmental delay syndrome; Autosomal dominant nonsyndromic hearing loss 1. Last evaluated: 2026-01-26. Review status: criteria provided, single submitter. Criteria: Invitae Variant Classification Sherloc (09022015). Collection method: clinical testing. Allele origin: germline.

Blueprint Genetics
Classification: Likely benign. Last evaluated: 2024-11-07. Review status: criteria provided, single submitter. Criteria: ACMG Guidelines, 2015. Collection method: clinical testing. Allele origin: germline.

GeneDx
Classification: Likely benign. Last evaluated: 2020-12-17. Review status: criteria provided, single submitter. Criteria: GeneDx Variant Classification Process June 2021. Collection method: clinical testing. Allele origin: germline. Affected: yes.

Illumina Laboratory Services, Illumina
Classification: Likely benign for Autosomal dominant nonsyndromic hearing loss 1. Last evaluated: 2018-01-13. Review status: criteria provided, single submitter. Criteria: ICSL Variant Classification Criteria 13 December 2019. Collection method: clinical testing. Allele origin: germline.
Comment: This variant was observed in the ICSL laboratory as part of a predisposition screen in an ostensibly healthy population. It had not been previously curated by ICSL or reported in the Human Gene Mutation Database (HGMD: prior to June 1st, 2018), and was therefore a candidate for classification through an automated scoring system. Utilizing variant allele frequency, disease prevalence and penetrance estimates, and inheritance mode, an automated score was calculated to assess if this variant is too frequent to cause the disease. Based on the score and internal cut-off values, a variant classified as likely benign is not then subjected to further curation. The score for this variant resulted in a classification of likely benign for this disease.

Laboratory for Molecular Medicine, Mass General Brigham Personalized Medicine
Classification: Likely benign. Last evaluated: 2017-12-14. Review status: criteria provided, single submitter. Criteria: LMM Criteria. Collection method: clinical testing. Allele origin: germline. Observed: 4 variant alleles.
Comment: p.Arg579His in exon 16 of DIAPH1: This variant is not expected to have clinical significance because it has been identified in 0.17% (210/126644) of European c hromosomes and in 0.28% (71/25790) of Finnish chromosomes by the Genome Aggregat ion Database (gnomAD; dbSNP rs182139018). In addition, computational prediction tools and conservation analyses suggest that the p.Arg579His variant may not impact the protein.

Eurofins Ntd Llc (ga)
Classification: Uncertain significance. Last evaluated: 2014-11-04. Review status: criteria provided, single submitter. Criteria: EGL Classification Definitions 2015. Collection method: clinical testing. Allele origin: germline. Observed: 2 variant alleles, 2 heterozygotes.

PreventionGenetics, part of Exact Sciences
Classification: Likely benign for DIAPH1-related condition. Last evaluated: 2022-08-09. Review status: no assertion criteria provided. Collection method: clinical testing. Allele origin: germline. Not counted in ClinVar's aggregate classification.
Comment: This variant is classified as likely benign based on ACMG/AMP sequence variant interpretation guidelines (Richards et al. 2015 PMID: 25741868, with internal and published modifications).

NM_005219.5(DIAPH1):c.1736G>A (p.Arg579His)

Gene: DIAPH1 (diaphanous related formin 1; minus strand). Cytogenetic location: 5q31.3.
Variant type: single nucleotide variant.
Coding change: c.1736G>A on transcript NM_005219.5 (MANE Select); coding-DNA position 1736, G replaced by A.
Protein change: p.Arg579His; replaces arginine 579 with histidine.
Molecular consequence: missense variant.
Genome position (GRCh38, 1-based): chr5:141,574,114, C>T on the plus strand (G>A on the coding strand, the complement: DIAPH1 is on the minus strand). VCF-style: chr5-141574114-C-T. GRCh37 (hg19) VCF-style: chr5-140953681-C-T.
Other names: c.1709G>A, p.Arg570His (NM_001079812.3); c.1736G>A, p.Arg579His (NM_001314007.2); short protein forms R579H, R570H.
Identifiers: ClinVar variation 194639 (VCV000194639.51), dbSNP rs182139018, ClinGen allele CA240726.